The following is an entry in ClinVar:

NM_032830.3(UTP4):c.591C>T (p.Ile197=)

Gene: UTP4 (UTP4 small subunit processome component). Cytogenetic location: 16q22.1.
Variant type: single nucleotide variant.
Coding change: c.591C>T on transcript NM_032830.3 (MANE Select); coding-DNA position 591, C replaced by T.
Protein change: p.Ile197=; no amino-acid change (isoleucine 197 retained).
Molecular consequence: synonymous variant.
Genome position (GRCh38, 1-based): chr16:69,143,242, C>T. VCF-style: chr16-69143242-C-T. GRCh37 (hg19) VCF-style: chr16-69177145-C-T.
Other names: c.591C>T (NM_032830.2); c.342C>T, p.Ile114= (NM_001318391.2).
Identifiers: ClinVar variation 2724483 (VCV002724483.5), dbSNP rs149282985, ClinGen allele CA8132109.

ClinVar aggregate classification (germline): Benign. Review status: criteria provided, single submitter (1 of 4 stars). 2 submissions from 2 submitters: Benign (1). 1 of the submissions does not count toward it. Last evaluated 2024-07-09.

Conditions:
UTP4-related disorder. Also called: UTP4-related condition.

Allele frequency attached by ClinVar (database versions not stated): gnomAD 0.00009; TOPMed 0.00012; ExAC 0.00023; 1000 Genomes Project 30x 0.00078; 1000 Genomes Project 0.00100.
gnomAD v4.1: 122 of 1,614,212 alleles (0.0076%); highest among the groups gnomAD compares: East Asian, 0.23%; 1 homozygote.

Submissions (2):

Labcorp Genetics (formerly Invitae), Labcorp
Classification: Benign. Last evaluated: 2024-07-09. Review status: criteria provided, single submitter. Criteria: Invitae Variant Classification Sherloc (09022015). Collection method: clinical testing. Allele origin: germline.

PreventionGenetics, part of Exact Sciences
Classification: Likely benign for UTP4-related condition. Last evaluated: 2023-03-16. Review status: no assertion criteria provided. Collection method: clinical testing. Allele origin: germline. Not counted in ClinVar's aggregate classification.
Comment: This variant is classified as likely benign based on ACMG/AMP sequence variant interpretation guidelines (Richards et al. 2015 PMID: 25741868, with internal and published modifications).